The following is an entry in ClinVar:

ClinVar aggregate classification (germline): Uncertain significance (1 of 4 stars; one submission).

Conditions:
Severe combined immunodeficiency due to DNA-PKcs deficiency. Also called: IMMUNODEFICIENCY 26 WITH NEUROLOGIC ABNORMALITIES; Immunodeficiency 26 with or without neurologic abnormalities. Identifiers: Orphanet 317425, MedGen C4014833, MONDO:0014423, OMIM 615966.

Submission:

Labcorp Genetics (formerly Invitae), Labcorp
Classification: Uncertain significance for Severe combined immunodeficiency due to DNA-PKcs deficiency. Last evaluated: 2018-12-09. Review status: criteria provided, single submitter. Criteria: Invitae Variant Classification Sherloc (09022015). Collection method: clinical testing. Allele origin: germline.
Comment: In summary, the available evidence is currently insufficient to determine the role of this variant in disease. Therefore, it has been classified as a Variant of Uncertain Significance. The current clinical and genetic evidence is not sufficient to establish whether loss-of-function variants in PRKDC cause disease. Experimental studies and prediction algorithms are not available for this variant, and the functional significance of the affected amino acid(s) is currently unknown. This variant has not been reported in the literature in individuals with PRKDC-related conditions. This variant is not present in population databases (ExAC no frequency). This sequence change creates a premature translational stop signal (p.Arg198Profs*30) in the PRKDC gene. It is expected to result in an absent or disrupted protein product.

NM_006904.7(PRKDC):c.593_618del (p.Arg198fs)

Gene: PRKDC (protein kinase, DNA-activated, catalytic subunit; minus strand). Cytogenetic location: 8q11.21.
Variant type: Deletion.
Coding change: c.593_618del on transcript NM_006904.7 (MANE Select); coding-DNA positions 593 to 618, 26 bases deleted (GCGCTTTTCTGGGTGAACTTAAGACC).
Protein change: p.Arg198fs; shifts the reading frame from arginine 198.
Molecular consequence: frameshift variant.
Genome position (GRCh38, 1-based): chr8:47,953,810-47,953,835, GGTCTTAAGTTCACCCAGAAAAGCGC deleted on the plus strand (GCGCTTTTCTGGGTGAACTTAAGACC on the coding strand, the reverse complement: PRKDC is on the minus strand); deleting any 26 consecutive bases within chr8:47,953,810-47,953,837 gives the same sequence; the c. name uses the placement nearest the transcript's 3' end. VCF-style (leftmost placement, unchanged base first): chr8-47953809-GGGTCTTAAGTTCACCCAGAAAAGCGC-G. GRCh37 (hg19) VCF-style: chr8-48866369-GGGTCTTAAGTTCACCCAGAAAAGCGC-G.
Other names: c.593_618del, p.Arg198fs (NM_001081640.2); c.593_618delGCGCTTTTCTGGGTGAACTTAAGACC (NM_006904.6); short protein forms R198fs.
Identifiers: ClinVar variation 651601 (VCV000651601.8), dbSNP rs1589817900, ClinGen allele CA915945685.